The following is an entry in ClinVar:

NM_001035.3(RYR2):c.4919A>G (p.Asp1640Gly)

Gene: RYR2 (ryanodine receptor 2; plus strand). Cytogenetic location: 1q43.
Variant type: single nucleotide variant.
Coding change: c.4919A>G on transcript NM_001035.3 (MANE Select); coding-DNA position 4919, A replaced by G.
Protein change: p.Asp1640Gly; replaces aspartic acid 1640 with glycine.
Molecular consequence: missense variant.
Genome position (GRCh38, 1-based): chr1:237,614,047, A>G. VCF-style: chr1-237614047-A-G. GRCh37 (hg19) VCF-style: chr1-237777347-A-G.
Other names: short protein forms D1640G.
Identifiers: ClinVar variation 3675710 (VCV003675710.2).

ClinVar aggregate classification (germline): Uncertain significance (1 of 4 stars; one submission).

Conditions:
Catecholaminergic polymorphic ventricular tachycardia 1. Also called: VENTRICULAR TACHYCARDIA, CATECHOLAMINERGIC POLYMORPHIC, 1, WITH OR WITHOUT ATRIAL DYSFUNCTION AND/OR DILATED CARDIOMYOPATHY; VENTRICULAR TACHYCARDIA, STRESS-INDUCED POLYMORPHIC 1; RYR2-Related Catecholaminergic Polymorphic Ventricular Tachycardia. Identifiers: Orphanet 3286, MedGen C1631597, MONDO:0011484, OMIM 604772.

gnomAD v4.1: 2 of 1,612,054 alleles (0.00012%); highest among the groups gnomAD compares: African/African-American, 0.0027%; no homozygotes.

Submission:

Labcorp Genetics (formerly Invitae), Labcorp
Classification: Uncertain significance for Catecholaminergic polymorphic ventricular tachycardia 1. Last evaluated: 2024-10-22. Review status: criteria provided, single submitter. Criteria: Invitae Variant Classification Sherloc (09022015). Collection method: clinical testing. Allele origin: germline.
Comment: This sequence change replaces aspartic acid, which is acidic and polar, with glycine, which is neutral and non-polar, at codon 1640 of the RYR2 protein (p.Asp1640Gly). This variant is present in population databases (no rsID available, gnomAD 0.007%). This variant has not been reported in the literature in individuals affected with RYR2-related conditions. Invitae Evidence Modeling of protein sequence and biophysical properties (such as structural, functional, and spatial information, amino acid conservation, physicochemical variation, residue mobility, and thermodynamic stability) indicates that this missense variant is expected to disrupt RYR2 protein function with a positive predictive value of 95%. In summary, the available evidence is currently insufficient to determine the role of this variant in disease. Therefore, it has been classified as a Variant of Uncertain Significance.